The following is an entry in ClinVar:

NM_000543.5(SMPD1):c.1826GCC[1] (p.Arg610del)

Genes: SMPD1 (sphingomyelin phosphodiesterase 1; plus strand), APBB1 (amyloid beta precursor protein binding family B member 1; minus strand). Cytogenetic location: 11p15.4.
Variant type: Microsatellite.
Coding change: c.1826GCC[1] on transcript NM_000543.5 (MANE Select); one copy of the 3-base unit GCC starting at c.1826; the reference has two copies in a row; one copy, 3 bases deleted; also written c.1829_1831del.
Protein change: p.Arg610del; deletes arginine 610.
Molecular consequence: inframe deletion. On other transcripts: 3 prime UTR variant (1), non-coding transcript variant (2).
Genome position (GRCh38, 1-based): chr11:6,394,540-6,394,542, GCC deleted; deleting any 3 consecutive bases within chr11:6,394,537-6,394,542 gives the same sequence; the position shown is the placement nearest the transcript's 3' end. VCF-style (leftmost placement, unchanged base first): chr11-6394536-TGCC-T. GRCh37 (hg19) VCF-style: chr11-6415766-TGCC-T.
Other names: R608del; delR608; delta608; DeltaR608; ARG608DEL; c.1829_1831delGCC (NM_000543.5, NM_000543.4); c.1823GCC[1], p.Arg609del (NM_001007593.3); c.*319GCC[1] (NM_001318087.2); and 3 more; short protein forms R610del, R303del, R609del, R566del.
Identifiers: ClinVar variation 198093 (VCV000198093.46), dbSNP rs120074118, ClinGen allele CA252507.
Genomic context (GRCh38, chr11:6,394,536, plus strand): 5'-CCCTGCCGTCTGGCTACTCTTTGTGCCCAGCTCTCTGCCCGTGCTGACAGCCCTGCTCTG[TGCC>T]GCCACCTGATGCCAGATGGGAGCCTCCCAGAGGCCCAGAGCCTGTGGCCAAGGCCACTGT-3'

ClinVar aggregate classification (germline): Pathogenic. Review status: criteria provided, multiple submitters, no conflicts (2 of 4 stars). 18 submissions from 18 submitters: Pathogenic (15). 3 of the submissions do not count toward it. Last evaluated 2026-06-19.

Conditions:
SMPD1-related disorder. Also called: SMPD1-related condition.
autosomal recessive SMPD1-related disorders.
Niemann-Pick disease, type A. Also called: Infantile Neurovisceral ASMD (Niemann-Pick Disease Type A; NPD-A); SPHINGOMYELIN LIPIDOSIS; SPHINGOMYELINASE DEFICIENCY. Identifiers: Orphanet 77292, MedGen C0268242, MONDO:0009756, OMIM 257200. Disease mechanism: loss of function.
Niemann-Pick disease, type B. Also called: Chronic Visceral ASMD (Niemann-Pick Disease Type B; NPD-B). Identifiers: Orphanet 77293, MedGen C0268243, MONDO:0011871, OMIM 607616. Disease mechanism: loss of function.
Sphingomyelin/cholesterol lipidosis. Also called: Niemann-Pick disease. Identifiers: MedGen C0028064, MONDO:0001982.

Submissions 1 to 10 of 18:

PreventionGenetics, part of Exact Sciences
Classification: Pathogenic for SMPD1-related condition. Last evaluated: 2026-06-19. Review status: criteria provided, single submitter. Criteria: ACMG Guidelines, 2015. Collection method: clinical testing. Allele origin: germline.
Comment: The SMPD1 c.1829_1831delGCC variant is predicted to result in an in-frame deletion (p.Arg610del). This variant, also known as p.Arg608del, has been reported in numerous individuals with Niemann-Pick disease, type B (Levran et al. 1991. PubMed ID: 1885770; Irun et al. 2013. PubMed ID: 23252888; Lipiński et al. 2019. PubMed ID: 30795770). Functional studies showed that the p.Arg610del variant could lead to a reduced sphingomyelinase activity (Rodríguez-Pascau et al. 2009. PubMed ID: 19405096). This variant is reported in 0.046% of alleles in individuals of Latino descent in gnomAD. This variant is interpreted as pathogenic.

Labcorp Genetics (formerly Invitae), Labcorp
Classification: Pathogenic for Niemann-Pick disease, type B; Niemann-Pick disease, type A. Last evaluated: 2026-01-20. Review status: criteria provided, single submitter. Criteria: Invitae Variant Classification Sherloc (09022015). Collection method: clinical testing. Allele origin: germline.
Comment: This variant, c.1829_1831del, results in the deletion of 1 amino acid(s) of the SMPD1 protein (p.Arg610del), but otherwise preserves the integrity of the reading frame. This variant is present in population databases (rs769777506, gnomAD 0.04%). This variant has been observed in individuals with Niemann-Pick type B (PMID: 1885770, 8225311, 12694237, 19405096, 23252888, 24643943). It has also been observed to segregate with disease in related individuals. This variant is also known as DR608. ClinVar contains an entry for this variant (Variation ID: 198093). Algorithms developed to predict the effect of variants on gene product structure and function are not available or were not evaluated for this variant. Experimental studies have shown that this variant affects SMPD1 function (PMID: 18815062, 19405096). For these reasons, this variant has been classified as Pathogenic.

Natera, Inc.
Classification: Pathogenic for Niemann-Pick Disease, Types A/B. Last evaluated: 2025-12-22. Review status: criteria provided, single submitter. Criteria: Natera Variant Classification Schema (03/2026). Collection method: clinical testing. Allele origin: germline.
Comment: The c.1829_1831delGCC variant in SMPD1 is an in-frame deletion predicted to remove arginine at amino acid 610 while preserving the reading frame. This variant is rare in the general population with a frequency below the threshold expected for the associated phenotype(s). This variant has been observed in one or more individuals affected with the associated recessive disease, as either homozygous or compound heterozygous with a second variant (PMID: 19405096, 12607113). Additionally, this variant has been observed to segregate in affected family members (PMID: 12607113). This variant results in a change to the protein length while preserving reading frame, which may disrupt normal protein structure or function. Given the available evidence, this variant is classified as Pathogenic.

Dasa
Classification: Pathogenic. Last evaluated: 2025-12-16. Review status: criteria provided, single submitter. Criteria: DASA Assertion Criteria. Collection method: clinical testing. Allele origin: germline.
Comment: NM_000543.5(SMPD1):c.1829_1831del (p.Arg610del) is a sequence variant. Segregation evidence has been reported in affected families. This variant has been observed in affected individuals with related phenotype in a genotype context consistent with recessive disease (PMID: 8225311; PMID: 12369017; PMID: 19405096). Functional evidence supports a deleterious effect on the gene or gene product (PMID: 8225311; PMID: 12369017; PMID: 19405096). This variant has been recurrently observed in individuals with related phenotype (PMID: 8225311; PMID: 12369017; PMID: 19405096). The variant is present at low frequency in population datasets. Based on the available data, this variant is classified as pathogenic.

3billion
Classification: Pathogenic for SMPD1-related disorder. Last evaluated: 2025-11-06. Review status: criteria provided, single submitter. Criteria: ACMG Guidelines, 2015. Collection method: clinical testing. Allele origin: germline. Affected: yes.
Comment: The variant is observed at an extremely low frequency in the gnomAD v4.1.0 dataset (total allele frequency: 0.017%). Predicted Consequence/Location: Inframe deletion located in a nonrepeat region: predicted to change the length of the protein and disrupt normal protein function. The variant has been reported to be in trans with a pathogenic variant as either compound heterozygous or homozygous in at least 4 similarly affected unrelated individuals (PMID: 12369017, 19405096, 22818240). The variant has been reported at least twice as pathogenic with clinical assertions and evidence for the classification (ClinVar ID: VCV000198093 /PMID: 1885770 /3billion dataset). Therefore, this variant is classified as Pathogenic according to the recommendation of ACMG/AMP guideline.

GeneDx
Classification: Pathogenic. Last evaluated: 2025-06-20. Review status: criteria provided, single submitter. Criteria: GeneDx Variant Classification Process June 2021. Collection method: clinical testing. Allele origin: germline. Affected: yes.
Comment: Expression studies found that c.1829_1831del is associated with approximately 21% of wild-type sphingomyelin phosphodiesterase 1 enzyme activity consistent with the less severe type B phenotype (PMID: 19405096); Found on almost 90% of disease alleles in individuals with non-neuronopathic acid sphingomyelinase defciency (Niemann-Pick disease, type B [NPD]) from North Africa (Maghred region: Tunisia, Algeria, and Morocco), in almost all patients with type B NPD from the Gran Canaria Island, and also on approximately 20%-30% of disease alleles in individuals with type B NPD from the United States (PMID: 12694237, 20301544); In-frame deletion of 1 amino acid(s) in a non-repeat region; In silico analysis supports a deleterious effect on protein structure/function; This variant is associated with the following publications: (PMID: 1885770, 18815062, 21502868, 8225311, 21228398, 12694237, 30223864, 30153451, 29626972, 27884455, 28492532, 15545621, 11932991, 8401540, 21098024, 30795770, 29948344, 31122880, 30870388, 31589614, 35314707, 36938085, 19405096, 18052040)

Revvity Omics, Revvity
Classification: Pathogenic. Last evaluated: 2025-03-25. Review status: criteria provided, single submitter. Criteria: ACMG Guidelines, 2015. Collection method: clinical testing. Allele origin: germline.

Variantyx, Inc.
Classification: Pathogenic for autosomal recessive SMPD1-related disorders. Last evaluated: 2025-03-21. Review status: criteria provided, single submitter. Criteria: Variantyx Assertion Criteria 2022. Collection method: clinical testing. Allele origin: maternal. Inheritance: Autosomal recessive inheritance. Affected: no.
Comment: Pathogenic variants in this gene have been associated with autosomal recessive Niemann-Pick disease, types A and B. This variant has been reported in the homozygous or compound heterozygous state in many unrelated affected individuals (PMID: 8225311, 1885770, 12694237) (PM3_Very_Strong). Functional studies have shown that this variant alters SMPD1 protein function (PMID: 18815062, 19405096) (PS3_Moderate). This variant has a 0.2290% maximum allele frequency in non-founder control populations, which is lower than expected for the prevalence of autosomal recessive SMPD1-related disorders (PM2_Supporting). Based on the current evidence, this variant is classified as pathogenic for autosomal recessive SMPD1-related disorders.

Genetic Services Laboratory, University of Chicago
Classification: Pathogenic. Last evaluated: 2024-09-03. Review status: criteria provided, single submitter. Criteria: ACMG Guidelines, 2015. Collection method: clinical testing. Allele origin: germline. Affected: yes.
Comment: DNA sequence analysis of the SMPD1 gene demonstrated a 3 base pair deletion in exon 6, c.1829_1831del. This in-frame deletion is predicted to result in the deletion of a single amino acid residue, p.Arg610del. This deletion is a well-established pathogenic variant in the literature and has previously described in several individuals with Niemann-Pick type B (PMID: 1885770, 8225311, 12694237, 19405096, 23252888, 24643943). Functional studies have shown that this variant has an impact on SMPD1 function and demonstrated reduced enzyme activity (PMID: 18815062, 19405096, 8225311). This sequence change has been described in the gnomAD database with a frequency of 0.016% in the European subpopulation (dbSNP rs1479332885). These collective evidences indicate that this sequence change is pathogenic.

Blueprint Genetics
Classification: Pathogenic for SMPD1-related disorders. Last evaluated: 2024-07-01. Review status: criteria provided, single submitter. Criteria: ACMG Guidelines, 2015. Collection method: clinical testing. Allele origin: germline. Affected: yes. Observed: 5 variant alleles.